The following is an entry in ClinVar:

ClinVar aggregate classification (germline): Conflicting classifications of pathogenicity. Review status: criteria provided, conflicting classifications (1 of 4 stars). 6 submissions from 6 submitters: Uncertain significance (1); Benign (1); Likely benign (3). 1 of the submissions does not count toward it. Last evaluated 2025-05-21.

Conditions:
PCDH15-related disorder. Also called: PCDH15-related disorders; PCDH15-related condition.
Inborn genetic diseases. Identifiers: MedGen C0950123, MeSH D030342.

Allele frequency attached by ClinVar (database versions not stated): gnomAD 0.00049 and 0.00048; TOPMed 0.00070; 1000 Genomes Project 0.00060; ExAC 0.00061; 1000 Genomes Project 30x 0.00062; gnomAD exomes 0.00018 and 0.00094.
gnomAD v4.1: 334 of 1,609,970 alleles (0.021%); highest among the groups gnomAD compares: Admixed American, 0.55%; 3 homozygotes.

Submissions (6):

Ambry Genetics
Classification: Likely benign for Inborn genetic diseases. Last evaluated: 2025-05-21. Review status: criteria provided, single submitter. Criteria: Ambry Variant Classification Scheme 2023. Collection method: clinical testing. Allele origin: germline.

Blueprint Genetics
Classification: Likely benign. Last evaluated: 2024-11-04. Review status: criteria provided, single submitter. Criteria: ACMG Guidelines, 2015. Collection method: clinical testing. Allele origin: germline.

Labcorp Genetics (formerly Invitae), Labcorp
Classification: Likely benign. Last evaluated: 2022-08-23. Review status: criteria provided, single submitter. Criteria: Invitae Variant Classification Sherloc (09022015). Collection method: clinical testing. Allele origin: germline.

Laboratory for Molecular Medicine, Mass General Brigham Personalized Medicine
Classification: Benign. Last evaluated: 2017-08-10. Review status: criteria provided, single submitter. Criteria: LMM Criteria. Collection method: clinical testing. Allele origin: germline. Observed: 2 variant alleles.
Comment: p.Ile1519Val in exon 37 of PCDH15: This variant is not expected to have clinical significance because it has been identified in 0.65% (219/33858) of Latino chro mosomes including 1 homozygote by the Genome Aggregation Consortium (gnomAD; dbSNP rs201855435).

GeneDx
Classification: Uncertain significance. Last evaluated: 2017-03-13. Review status: criteria provided, single submitter. Criteria: GeneDx Variant Classification (06012015). Collection method: clinical testing. Allele origin: germline. Affected: yes.
Comment: The I1519V variant in the PCDH15 gene has not been reported previously as a pathogenic variant, nor as a benign variant, to our knowledge. The I1519V variant is observed in 71/11576 (0.61%) alleles from individuals of Latino background in large population cohorts (Lek et al., 2016; 1000 Genomes Consortium et al., 2015; Exome Variant Server). The I1519V variant is a conservative amino acid substitution, which is not likely to impact secondary protein structure as these residues share similar properties. This substitution occurs at a position that is not conserved. In silico analysis is inconsistent in its predictions as to whether or not the variant is damaging to the protein structure/function.We interpret I1519V as a variant of uncertain significance.

PreventionGenetics, part of Exact Sciences
Classification: Likely benign for PCDH15-related condition. Last evaluated: 2019-07-22. Review status: no assertion criteria provided. Collection method: clinical testing. Allele origin: germline. Not counted in ClinVar's aggregate classification.
Comment: This variant is classified as likely benign based on ACMG/AMP sequence variant interpretation guidelines (Richards et al. 2015 PMID: 25741868, with internal and published modifications).

NM_001384140.1(PCDH15):c.4671+1046A>G

Gene: PCDH15 (protocadherin related 15; minus strand). Cytogenetic location: 10q21.1.
Variant type: single nucleotide variant.
Coding change: c.4671+1046A>G on transcript NM_001384140.1 (MANE Select); 1046 bases into the intron after coding-DNA position 4671, A replaced by G.
Molecular consequence: intron variant. On other transcripts: missense variant (2), synonymous variant (1).
Genome position (GRCh38, 1-based): chr10:53,809,510, T>C on the plus strand (A>G on the coding strand, the complement: PCDH15 is on the minus strand). VCF-style: chr10-53809510-T-C. GRCh37 (hg19) VCF-style: chr10-55569270-T-C.
Other names: c.4555A>G, p.Ile1519Val (NM_001142769.4); c.4590A>G, p.Lys1530= (NM_001142770.3); c.4534A>G, p.Ile1512Val (NM_001354411.2); c.4476+1046A>G (NM_001354420.2); c.4605+1046A>G (NM_001354429.2); c.4482+1046A>G (NM_001142772.2); c.4497+1046A>G (NM_001142771.2); short protein forms I1519V, I1512V.
Identifiers: ClinVar variation 44032 (VCV000044032.19), dbSNP rs201855435, ClinGen allele CA133430.
Genomic context (GRCh38, chr10:53,809,510, plus strand): 5'-CAGCTGCTGGTGGTTTTTCGATAGTTACAACTACTTCTTCCTCCTCACTAGGCTCTCTAA[T>C]TTCAACCTTTGGTTTTTTAATTTTCTTTGGCTCTTCCTGAAAATTGTGAAAATGCAATTG-3'